The following is an entry in ClinVar:

NM_000069.3(CACNA1S):c.262A>G (p.Lys88Glu)

Gene: CACNA1S (calcium voltage-gated channel subunit alpha1 S; minus strand). Cytogenetic location: 1q32.1.
Variant type: single nucleotide variant.
Coding change: c.262A>G on transcript NM_000069.3 (MANE Select); coding-DNA position 262, A replaced by G.
Protein change: p.Lys88Glu; replaces lysine 88 with glutamic acid.
Molecular consequence: missense variant.
Genome position (GRCh38, 1-based): chr1:201,094,018, T>C on the plus strand (A>G on the coding strand, the complement: CACNA1S is on the minus strand). VCF-style: chr1-201094018-T-C. GRCh37 (hg19) VCF-style: chr1-201063146-T-C.
Other names: short protein forms K88E.
Identifiers: ClinVar variation 422981 (VCV000422981.29), dbSNP rs140330831, ClinGen allele CA079143.

ClinVar aggregate classification (germline): Conflicting classifications of pathogenicity. Review status: criteria provided, conflicting classifications (1 of 4 stars). 13 submissions from 11 submitters: Uncertain significance (8); Benign (1); Likely benign (1). 3 of the submissions do not count toward it. Last evaluated 2026-08-26.

Conditions:
Malignant hyperthermia, susceptibility to, 5 (MHS5). Also called: CACNA1S-Related Malignant Hyperthermia Susceptibility. Identifiers: Orphanet 423, MedGen C1866077, MONDO:0011163, OMIM 601887.
Thyrotoxic periodic paralysis, susceptibility to, 1 (TTPP1). Identifiers: Orphanet 79102, MedGen C2749982, MONDO:0008570, OMIM 188580.
Hypokalemic periodic paralysis, type 1. Also called: HypoPP; Hypokalemic Periodic Paralysis Type 1 (AD). Identifiers: Orphanet 681, MedGen C3714580, MONDO:0042979, OMIM 170400.
Inborn genetic diseases. Identifiers: MedGen C0950123, MeSH D030342.

Allele frequency attached by ClinVar (database versions not stated): gnomAD exomes 0.00015 and 0.00024; TOPMed 0.00015; gnomAD 0.00016; ESP Exome Variant Server 0.00023; ExAC 0.00028.
gnomAD v4.1: 248 of 1,614,008 alleles (0.015%); highest among the groups gnomAD compares: Non-Finnish European, 0.019%; no homozygotes.

Submissions 1 to 10 of 13:

GeneDx
Classification: Uncertain significance. Last evaluated: 2026-08-26. Review status: criteria provided, single submitter. Criteria: GeneDx Variant Classification Process June 2021. Collection method: clinical testing. Allele origin: germline.
Comment: Reported previously in an individual who underwent exome sequencing; however, clinical information was not provided and segregation analysis was not performed (PMID: 24195946); Reported in a patient with brainstem neurodegeneration, cardiac dysrhythmia, and primary hypogonadism with azoospermia in the published literature who also had variants in other genes that may have been contributing to the phenotype (PMID: 35996156); In silico analysis suggests that this missense variant does not alter protein structure/function; This variant is associated with the following publications: (PMID: 24195946, 35996156)

Labcorp Genetics (formerly Invitae), Labcorp
Classification: Benign for Hypokalemic periodic paralysis, type 1; Malignant hyperthermia, susceptibility to, 5. Last evaluated: 2025-12-16. Review status: criteria provided, single submitter. Criteria: Invitae Variant Classification Sherloc (09022015). Collection method: clinical testing. Allele origin: germline.

Revvity Omics, Revvity
Classification: Uncertain significance. Last evaluated: 2024-12-06. Review status: criteria provided, single submitter. Criteria: ACMG Guidelines, 2015. Collection method: clinical testing. Allele origin: germline.

Blueprint Genetics
Classification: Likely benign. Last evaluated: 2024-11-08. Review status: criteria provided, single submitter. Criteria: ACMG Guidelines, 2015. Collection method: clinical testing. Allele origin: germline.

All of Us Research Program, National Institutes of Health
Classification: Uncertain significance for Malignant hyperthermia, susceptibility to, 5. Last evaluated: 2024-09-23. Review status: criteria provided, single submitter. Criteria: ACMG Guidelines, 2015. Collection method: clinical testing. Allele origin: germline. Inheritance: Autosomal dominant inheritance. Observed: 87 variant alleles, 87 heterozygotes.
Comment: This missense variant replaces lysine with glutamic acid at codon 88 of the CACNA1S protein. Computational prediction is inconclusive regarding the impact of this variant on protein structure and function (internally defined REVEL score threshold 0.5 < inconclusive < 0.7, PMID: 27666373). To our knowledge, functional studies have not been reported for this variant. This variant has not been reported in individuals affected with CACNA1S-related disorders in the literature. This variant has been identified in 67/282844 chromosomes in the general population by the Genome Aggregation Database (gnomAD). The available evidence is insufficient to determine the role of this variant in disease conclusively. Therefore, this variant is classified as a Variant of Uncertain Significance.

This study involves interpretation of variants in research participants for the purpose of population health screening. Participant phenotype was not available at the time of variant classification. Additional details can be found in publication PMID: 35346344, PMCID: PMC8962531

Color Diagnostics, LLC DBA Color Health
Classification: Uncertain significance for Malignant hyperthermia, susceptibility to, 5. Last evaluated: 2024-03-28. Review status: criteria provided, single submitter. Criteria: ACMG Guidelines, 2015. Collection method: clinical testing. Allele origin: germline.
Comment: This missense variant replaces lysine with glutamic acid at codon 88 of the CACNA1S protein. Computational prediction is inconclusive regarding the impact of this variant on protein structure and function. To our knowledge, functional studies have not been reported for this variant. This variant has not been reported in individuals affected with CACNA1S-related disorders in the literature. This variant has been identified in 67/282844 chromosomes in the general population by the Genome Aggregation Database (gnomAD). The available evidence is insufficient to determine the role of this variant in disease conclusively. Therefore, this variant is classified as a Variant of Uncertain Significance.

Laboratory of Medical Genetics, National & Kapodistrian University of Athens
Classification: Uncertain significance for Hypokalemic periodic paralysis, type 1. Last evaluated: 2022-06-28. Review status: criteria provided, single submitter. Criteria: ACMG Guidelines, 2015. Collection method: clinical testing. Allele origin: germline. Affected: yes.
Comment: PM2, PP3

Fulgent Genetics
Classification: Uncertain significance for Hypokalemic periodic paralysis, type 1; Thyrotoxic periodic paralysis, susceptibility to, 1; Malignant hyperthermia, susceptibility to, 5. Last evaluated: 2022-02-13. Review status: criteria provided, single submitter. Criteria: ACMG Guidelines, 2015. Collection method: clinical testing. Allele origin: unknown.

Ambry Genetics
Classification: Uncertain significance for Inborn genetic diseases. Last evaluated: 2021-09-09. Review status: criteria provided, single submitter. Criteria: Ambry Variant Classification Scheme 2023. Collection method: clinical testing. Allele origin: germline.

Eurofins Ntd Llc (ga)
Classification: Uncertain significance. Last evaluated: 2017-10-06. Review status: criteria provided, single submitter. Criteria: EGL Classification Definitions 2015. Collection method: clinical testing. Allele origin: germline. Observed: 1 variant allele, 1 heterozygote.